The following is an entry in ClinVar:

ClinVar aggregate classification (germline): Uncertain significance (1 of 4 stars; one submission).

Conditions:
Hereditary cancer-predisposing syndrome. Also called: Hereditary Cancer Syndrome; Hereditary neoplastic syndrome; Neoplastic Syndromes, Hereditary; Tumor predisposition. Identifiers: Orphanet 140162, MedGen C0027672, MeSH D009386, MONDO:0015356.

Submission:

Ambry Genetics
Classification: Uncertain significance for Hereditary cancer-predisposing syndrome. Last evaluated: 2022-09-19. Review status: criteria provided, single submitter. Criteria: Ambry Variant Classification Scheme 2023. Collection method: clinical testing. Allele origin: germline.
Comment: The p.V146A variant (also known as c.437T>C), located in coding exon 4 of the NF2 gene, results from a T to C substitution at nucleotide position 437. The valine at codon 146 is replaced by alanine, an amino acid with similar properties. This amino acid position is conserved. In addition, this alteration is predicted to be deleterious by in silico analysis. Since supporting evidence is limited at this time, the clinical significance of this alteration remains unclear.

NM_000268.4(NF2):c.437T>C (p.Val146Ala)

Gene: NF2 (NF2, moesin-ezrin-radixin like (MERLIN) tumor suppressor; plus strand). Cytogenetic location: 22q12.2.
Variant type: single nucleotide variant.
Coding change: c.437T>C on transcript NM_000268.4 (MANE Select); coding-DNA position 437, T replaced by C.
Protein change: p.Val146Ala; replaces valine 146 with alanine.
Molecular consequence: missense variant. On other transcripts: non-coding transcript variant (1).
Genome position (GRCh38, 1-based): chr22:29,642,275, T>C. VCF-style: chr22-29642275-T-C. GRCh37 (hg19) VCF-style: chr22-30038264-T-C.
Other names: c.323T>C, p.Val108Ala (NM_001407053.1, NM_001407056.1); c.314T>C, p.Val105Ala (NM_001407054.1, NM_001407058.1, NM_001407062.1 and 1 more transcripts); c.311T>C, p.Val104Ala (NM_001407055.1, NM_181828.3); c.437T>C, p.Val146Ala (NM_001407057.1, NM_001407059.1, NM_001407060.1 and 5 more transcripts); c.188T>C, p.Val63Ala (NM_001407063.1, NM_001407064.1, NM_181830.3 and 1 more transcripts); c.-204T>C (NM_001407065.1); c.206T>C, p.Val69Ala (NM_001407067.1); short protein forms V63A, V104A, V108A, V146A, V69A, V105A.
Identifiers: ClinVar variation 1740155 (VCV001740155.2), dbSNP rs2146894835, ClinGen allele CA411153872.
Genomic context (GRCh38, chr22:29,642,275, plus strand): 5'-TTTTAGATGAAAAGATCTACTGCCCTCCTGAGGCTTCTGTGCTCCTGGCTTCTTACGCCG[T>C]CCAGGCCAAGGTAGGCTCAAAGAAGAAAAATGTATTTTTCCTGGGCGTTAATTTGGGTCA-3'
Protein context (NP_000259.1, residues 136-156): EASVLLASYA[Val146Ala]QAKYGDYDPS